The following is an entry in ClinVar:

NM_006514.4(SCN10A):c.1840G>T (p.Val614Phe)

Gene: SCN10A (sodium voltage-gated channel alpha subunit 10; minus strand). Cytogenetic location: 3p22.2.
Variant type: single nucleotide variant.
Coding change: c.1840G>T on transcript NM_006514.4 (MANE Select); coding-DNA position 1840, G replaced by T.
Protein change: p.Val614Phe; replaces valine 614 with phenylalanine.
Molecular consequence: missense variant.
Genome position (GRCh38, 1-based): chr3:38,750,100, C>A on the plus strand (G>T on the coding strand, the complement: SCN10A is on the minus strand). VCF-style: chr3-38750100-C-A. GRCh37 (hg19) VCF-style: chr3-38791591-C-A.
Other names: c.1840G>T, p.Val614Phe (NM_001293306.2); c.1546G>T, p.Val516Phe (NM_001293307.2); short protein forms V614F, V516F.
Identifiers: ClinVar variation 4160539 (VCV004160539.1).

ClinVar aggregate classification (germline): Uncertain significance (1 of 4 stars; one submission).

Conditions:
Cardiovascular phenotype. Identifiers: MedGen CN230736.

Submission:

Ambry Genetics
Classification: Uncertain significance for Cardiovascular phenotype. Last evaluated: 2025-06-20. Review status: criteria provided, single submitter. Criteria: Ambry Variant Classification Scheme 2023. Collection method: clinical testing. Allele origin: germline.
Comment: The p.V614F variant (also known as c.1840G>T), located in coding exon 12 of the SCN10A gene, results from a G to T substitution at nucleotide position 1840. The valine at codon 614 is replaced by phenylalanine, an amino acid with highly similar properties. This amino acid position is conserved. In addition, this alteration is predicted to be deleterious by in silico analysis. Based on the available evidence, the clinical significance of this variant remains unclear.